The following is an entry in ClinVar:

ClinVar aggregate classification (germline): Uncertain significance (1 of 4 stars; one submission).

Submission:

CeGaT Center for Human Genetics Tuebingen
Classification: Uncertain significance. Last evaluated: 2023-10-01. Review status: criteria provided, single submitter. Criteria: CeGaT Center For Human Genetics Tuebingen Variant Classification Criteria Version 2. Collection method: clinical testing. Allele origin: germline. Affected: yes. Observed: 1 variant allele.
Comment: CHD1: PM2

NM_001270.4(CHD1):c.3227G>A (p.Cys1076Tyr)

Gene: CHD1 (chromodomain helicase DNA binding protein 1; minus strand). Cytogenetic location: 5q15.
Variant type: single nucleotide variant.
Coding change: c.3227G>A on transcript NM_001270.4 (MANE Select); coding-DNA position 3227, G replaced by A.
Protein change: p.Cys1076Tyr; replaces cysteine 1076 with tyrosine.
Molecular consequence: missense variant. On other transcripts: non-coding transcript variant (2).
Genome position (GRCh38, 1-based): chr5:98,879,562, C>T on the plus strand (G>A on the coding strand, the complement: CHD1 is on the minus strand). VCF-style: chr5-98879562-C-T. GRCh37 (hg19) VCF-style: chr5-98215266-C-T.
Other names: c.3227G>A, p.Cys1076Tyr (NM_001364113.3, NM_001376194.2); short protein forms C1076Y.
Identifiers: ClinVar variation 2655614 (VCV002655614.24), dbSNP rs757543911, ClinGen allele CA360508731.